The following is an entry in ClinVar:

ClinVar aggregate classification (germline): Likely benign (1 of 4 stars; one submission).

Allele frequency attached by ClinVar (database versions not stated): ExAC 0.00002; gnomAD exomes 0.00002; TOPMed 0.00002; gnomAD 0.00003.
gnomAD v4.1: 30 of 1,180,486 alleles (0.0025%); highest among the groups gnomAD compares: East Asian, 0.006%; no homozygotes.

Submission:

CeGaT Center for Human Genetics Tuebingen
Classification: Likely benign. Last evaluated: 2023-06-01. Review status: criteria provided, single submitter. Criteria: CeGaT Center For Human Genetics Tuebingen Variant Classification Criteria Version 2. Collection method: clinical testing. Allele origin: germline. Affected: yes. Observed: 1 variant allele.
Comment: SRPK3: BP4, BP7

NM_014370.4(SRPK3):c.591C>T (p.His197=)

Gene: SRPK3 (SRSF protein kinase 3; plus strand). Cytogenetic location: Xq28.
Variant type: single nucleotide variant.
Coding change: c.591C>T on transcript NM_014370.4 (MANE Select); coding-DNA position 591, C replaced by T.
Protein change: p.His197=; no amino-acid change (histidine 197 retained).
Molecular consequence: synonymous variant.
Genome position (GRCh38, 1-based): chrX:153,782,961, C>T. VCF-style: chrX-153782961-C-T. GRCh37 (hg19) VCF-style: chrX-153048416-C-T.
Other names: c.591C>T, p.His197= (NM_001170760.2, NM_001170761.2).
Identifiers: ClinVar variation 2661729 (VCV002661729.24), dbSNP rs782101711, ClinGen allele CA10552273.
Genomic context (GRCh38, chrX:153,782,961, plus strand): 5'-CCCAGCCTGGCCTGGGCGGGAGTTGGAGGAGGTCAGGTGCGACTCTCTGCAGGTGCTGCA[C>T]GGCCTGGACTACCTCCACACCAAGTGCAAGATCATCCACACGGACATCAAGCCCGAGAAC-3'
Protein context (NP_055185.2, residues 187-207): CVKSIVRQVL[His197=]GLDYLHTKCK